The following is an entry in ClinVar:

ClinVar aggregate classification (germline): Uncertain significance (1 of 4 stars; one submission).

Conditions:
Malignant hyperthermia, susceptibility to, 5 (MHS5). Also called: CACNA1S-Related Malignant Hyperthermia Susceptibility. Identifiers: Orphanet 423, MedGen C1866077, MONDO:0011163, OMIM 601887.

Submission:

All of Us Research Program, National Institutes of Health
Classification: Uncertain significance for Malignant hyperthermia, susceptibility to, 5. Last evaluated: 2024-03-24. Review status: criteria provided, single submitter. Criteria: ACMG Guidelines, 2015. Collection method: clinical testing. Allele origin: germline. Inheritance: Autosomal dominant inheritance. Observed: 1 variant allele, 1 heterozygote.
Comment: This variant deletes 1 nucleotide in exon 16 of the CACNA1S gene, creating a frameshift and premature translation stop signal. This variant is expected to result in an absent or non-functional protein product. To our knowledge, this variant has not been reported in individuals affected with CACNA1S-related disorders in the literature. This variant has not been identified in the general population by the Genome Aggregation Database (gnomAD). Loss of CACNA1S function due to truncation variants is not an established disease mechanism for autosomal dominant malignant hyperthermia, although it is associated with other phenotype(s. Due to insufficient evidence, this variant is classified as a Variant of Uncertain Significance for autosomal dominant malignant hyperthermia.

This study involves interpretation of variants in research participants for the purpose of population health screening. Participant phenotype was not available at the time of variant classification. Additional details can be found in publication PMID: 35346344, PMCID: PMC8962531

NM_000069.3(CACNA1S):c.2196del (p.Lys733fs)

Gene: CACNA1S (calcium voltage-gated channel subunit alpha1 S; minus strand). Cytogenetic location: 1q32.1.
Variant type: Deletion.
Coding change: c.2196del on transcript NM_000069.3 (MANE Select); coding-DNA position 2196, one base deleted (G; older notation c.2196delG).
Protein change: p.Lys733fs; shifts the reading frame from lysine 733.
Molecular consequence: frameshift variant.
Genome position (GRCh38, 1-based): chr1:201,072,786, C deleted on the plus strand (G on the coding strand, the reverse complement: CACNA1S is on the minus strand). VCF-style (leftmost placement, unchanged base first): chr1-201072785-TC-T. GRCh37 (hg19) VCF-style: chr1-201041913-TC-T.
Other names: short protein forms K733fs.
Identifiers: ClinVar variation 3386356 (VCV003386356.1).